The following is an entry in ClinVar:

NM_000637.5(GSR):c.334-4dup

Gene: GSR (glutathione-disulfide reductase; minus strand). Cytogenetic location: 8p12.
Variant type: Duplication.
Coding change: c.334-4dup on transcript NM_000637.5 (MANE Select); 4 bases into the intron before coding-DNA position 334, one base duplicated (A; older notation c.334-4dupA).
Molecular consequence: intron variant.
Genome position (GRCh38, 1-based): chr8:30,709,906, T duplicated on the plus strand (A on the coding strand, the reverse complement: GSR is on the minus strand). VCF-style (leftmost placement, unchanged base first): chr8-30709905-G-GT. GRCh37 (hg19) VCF-style: chr8-30567422-G-GT.
Other names: p.?; c.334-4dupA (NM_000637.3); c.334-4dup (NM_001195104.3, NM_001195102.3, NM_001195103.3).
Identifiers: ClinVar variation 1333171 (VCV001333171.18), dbSNP rs112134304, ClinGen allele CA4701545.

ClinVar aggregate classification (germline): Benign. Review status: criteria provided, multiple submitters, no conflicts (2 of 4 stars). 4 submissions from 4 submitters: Benign (3). 1 of the submissions does not count toward it. Last evaluated 2026-01-25.

Conditions:
GSR-related disorder. Also called: GSR-related condition.
Hemolytic anemia due to glutathione reductase deficiency (CNSHA10). Also called: ANEMIA, CONGENITAL, NONSPHEROCYTIC HEMOLYTIC, 10. Identifiers: Orphanet 90030, MedGen C5231513, MONDO:0019531, OMIM 618660.

Allele frequency attached by ClinVar (database versions not stated): gnomAD exomes 0.00129; ExAC 0.00451; gnomAD 0.01935 and 0.02050; 1000 Genomes Project 0.02875; ESP Exome Variant Server 0.02996.

Submissions (4):

Labcorp Genetics (formerly Invitae), Labcorp
Classification: Benign. Last evaluated: 2026-01-25. Review status: criteria provided, single submitter. Criteria: Invitae Variant Classification Sherloc (09022015). Collection method: clinical testing. Allele origin: germline.

ARUP Laboratories, Molecular Genetics and Genomics, ARUP Laboratories
Classification: Benign for Hemolytic anemia due to glutathione reductase deficiency. Last evaluated: 2024-07-10. Review status: criteria provided, single submitter. Criteria: ARUP Molecular Germline Variant Investigation Process 2024. Collection method: clinical testing. Allele origin: germline.

Mayo Clinic Laboratories, Mayo Clinic
Classification: Benign. Last evaluated: 2023-05-16. Review status: criteria provided, single submitter. Criteria: ACMG Guidelines, 2015. Collection method: clinical testing. Allele origin: germline. Observed: 23 variant alleles.
Comment: BS1, BS2

PreventionGenetics, part of Exact Sciences
Classification: Likely benign for GSR-related condition. Last evaluated: 2019-05-23. Review status: no assertion criteria provided. Collection method: clinical testing. Allele origin: germline. Not counted in ClinVar's aggregate classification.
Comment: This variant is classified as likely benign based on ACMG/AMP sequence variant interpretation guidelines (Richards et al. 2015 PMID: 25741868, with internal and published modifications).